The following is an entry in ClinVar:

NM_001458.5(FLNC):c.5842+5G>C

Genes: FLNC (filamin C; plus strand), FLNC-AS1 (FLNC antisense RNA 1; minus strand). Cytogenetic location: 7q32.1.
Variant type: single nucleotide variant.
Coding change: c.5842+5G>C on transcript NM_001458.5 (MANE Select); 5 bases into the intron after coding-DNA position 5842, G replaced by C.
Molecular consequence: intron variant.
Genome position (GRCh38, 1-based): chr7:128,851,633, G>C. VCF-style: chr7-128851633-G-C. GRCh37 (hg19) VCF-style: chr7-128491687-G-C.
Other names: c.5743+5G>C (NM_001127487.2).
Identifiers: ClinVar variation 1437410 (VCV001437410.4), dbSNP rs1254947768, ClinGen allele CA2573141642.

ClinVar aggregate classification (germline): Uncertain significance (1 of 4 stars; one submission).

Conditions:
Myofibrillar myopathy 5. Also called: FILAMINOPATHY, AUTOSOMAL DOMINANT; Filaminopathy (type). Identifiers: Orphanet 171445, MedGen C1836050, MONDO:0012289, OMIM 609524.
Dilated Cardiomyopathy, Dominant.
Distal myopathy with posterior leg and anterior hand involvement. Also called: WILLIAMS DISTAL MYOPATHY. Identifiers: Orphanet 63273, MedGen C3279722, MONDO:0013550, OMIM 614065.
Hypertrophic cardiomyopathy 26. Also called: Cardiomyopathy, familial hypertrophic, 26. Identifiers: Orphanet 75249, MedGen C4310749, MONDO:0014883, OMIM 617047.

Submission:

Labcorp Genetics (formerly Invitae), Labcorp
Classification: Uncertain significance for Distal myopathy with posterior leg and anterior hand involvement; Myofibrillar myopathy 5; Hypertrophic cardiomyopathy 26. Last evaluated: 2022-03-18. Review status: criteria provided, single submitter. Criteria: Invitae Variant Classification Sherloc (09022015). Collection method: clinical testing. Allele origin: germline.
Comment: This variant is not present in population databases (gnomAD no frequency). In summary, the available evidence is currently insufficient to determine the role of this variant in disease. Therefore, it has been classified as a Variant of Uncertain Significance. Variants that disrupt the consensus splice site are a relatively common cause of aberrant splicing (PMID: 17576681, 9536098). Algorithms developed to predict the effect of sequence changes on RNA splicing suggest that this variant is not likely to affect RNA splicing. This variant has not been reported in the literature in individuals affected with FLNC-related conditions. This sequence change falls in intron 35 of the FLNC gene. It does not directly change the encoded amino acid sequence of the FLNC protein. It affects a nucleotide within the consensus splice site.

Literature cited by the submitters: PubMed 17576681; PubMed 9536098.